The following is an entry in ClinVar:

ClinVar aggregate classification (germline): Pathogenic (1 of 4 stars; one submission).

Conditions:
Lynch syndrome 4 (LYNCH4). Also called: Hereditary non-polyposis colorectal cancer, type 4; Colorectal cancer, hereditary nonpolyposis, type 4. Identifiers: Orphanet 144, MedGen C1838333, MONDO:0013699, OMIM 614337. Disease mechanism: loss of function.

Submission:

Myriad Genetics, Inc.
Classification: Pathogenic for Lynch syndrome 4. Last evaluated: 2023-09-18. Review status: criteria provided, single submitter. Criteria: Myriad Autosomal Dominant, Autosomal Recessive and X-Linked Classification Criteria (2023). Collection method: clinical testing. Allele origin: unknown.
Comment: This variant is considered pathogenic. This variant creates a frameshift predicted to result in premature protein truncation.

NM_000535.7(PMS2):c.452_457delinsCCCC (p.Arg151fs)

Gene: PMS2 (PMS1 homolog 2, mismatch repair system component; minus strand). Cytogenetic location: 7p22.1.
Variant type: Indel.
Coding change: c.452_457delinsCCCC on transcript NM_000535.7 (MANE Select); coding-DNA positions 452 to 457, GCCCCA replaced by CCCC.
Protein change: p.Arg151fs; shifts the reading frame from arginine 151.
Molecular consequence: frameshift variant. On other transcripts: 5 prime UTR variant (2), non-coding transcript variant (1), intron variant (1).
Genome position (GRCh38, 1-based): chr7:6,002,533-6,002,538, TGGGGC replaced by GGGG on the plus strand (GCCCCA replaced by CCCC on the coding strand, the reverse complement: PMS2 is on the minus strand). VCF-style: chr7-6002533-TGGGGC-GGGG. GRCh37 (hg19) VCF-style: chr7-6042164-TGGGGC-GGGG.
Other names: c.47_52delGCCCCAinsCCCC, p.Arg16Profs (NM_001018040.1); c.47_52delinsCCCC, p.Arg16fs (NM_001322003.2, NM_001322004.2, NM_001322005.2 and 24 more transcripts); c.452_457delinsCCCC, p.Arg151fs (NM_001322006.2, NM_001322014.2, NM_001406869.1 and 8 more transcripts); c.134_139delinsCCCC, p.Arg45fs (NM_001322007.2, NM_001322008.2, NM_001406876.1 and 4 more transcripts); c.-433_-428delinsCCCC (NM_001322011.2, NM_001322012.2); c.143_148delinsCCCC, p.Arg48fs (NM_001322015.2, NM_001406875.1, NM_001406877.1 and 6 more transcripts); c.638_643delinsCCCC, p.Arg213fs (NM_001406866.1); c.476_481delinsCCCC, p.Arg159fs (NM_001406868.1); and 1 more; short protein forms R151fs, R159fs, R16fs, R213fs, R45fs, R48fs.
Identifiers: ClinVar variation 2674238 (VCV002674238.1), dbSNP rs1583403114, ClinGen allele CA2695198427.
Genomic context (GRCh38, chr7:6,002,533, plus strand): 5'-ATTCCTTATGGCGCACAGGTAGTGTGGAAAATAACTGCTGCACGCTGACTGTGGTCCCTC[TGGGGC>GGGG]GGGGGTAGGGGGTTTTCTGGATAATTTTCCCATTGTGATCAAACATCAGTCGAGTTCCAA-3'